The following continues an entry in ClinVar:

NM_002878.4(RAD51D):c.898C>T (p.Arg300Ter)

ClinVar aggregate classification (germline): Pathogenic/Likely pathogenic. Pathogenic (2); Likely pathogenic (25).

Submissions 9 to 27 of 30:

NHS Central & South Genomic Laboratory Hub
Classification: Likely pathogenic for Inherited ovarian cancer (without breast cancer). Last evaluated: 2025-09-25. Review status: criteria provided, single submitter. Criteria: ACMG Guidelines, 2015. Collection method: clinical testing. Allele origin: germline. Affected: yes.

Molecular Pathology, Peter Maccallum Cancer Centre
Classification: Likely pathogenic for Familial ovarian cancer. Last evaluated: 2025-04-17. Review status: criteria provided, single submitter. Criteria: ACMG Guidelines, 2015. Collection method: clinical testing. Allele origin: germline. Inheritance: Autosomal dominant inheritance.

Mayo Clinic Laboratories, Mayo Clinic
Classification: Likely pathogenic. Last evaluated: 2024-12-22. Review status: criteria provided, single submitter. Criteria: ACMG Guidelines, 2015. Collection method: clinical testing. Allele origin: germline. Observed: 1 variant allele.
Comment: PS4_moderate, PVS1_strong

Institute of Human Genetics, FAU Erlangen, Friedrich-Alexander-Universität Erlangen-Nürnberg
Classification: Likely pathogenic. Last evaluated: 2024-09-03. Review status: criteria provided, single submitter. Criteria: Hauer et al. (Genet Med. 2018). Collection method: clinical testing. Allele origin: germline. Inheritance: Unknown mechanism. Affected: yes. Observed: 1 variant allele.
Comment: This variant has been identified by standard clinical testing.

GeneDx
Classification: Likely pathogenic. Last evaluated: 2024-04-30. Review status: criteria provided, single submitter. Criteria: GeneDx Variant Classification Process June 2021. Collection method: clinical testing. Allele origin: germline. Affected: yes.
Comment: Nonsense variant predicted to result in protein truncation, as the last 29 amino acids are lost, and other loss-of-function variants have been reported downstream in HGMD; Observed in individuals with a personal or family history including breast, ovarian, and/or prostate cancer (PMID: 25452441, 26261251, 28724667, 30111881, 34887416, 35710434, 36095024, 36495689); Not observed at significant frequency in large population cohorts (gnomAD); Also known as p.(R188X); This variant is associated with the following publications: (PMID: 25344691, 29255180, 25452441, 26261251, 28152038, 28724667, 30165555, 30111881, 31589614, 33471991, 31300551, 32885271, 32107557, 34923718, 33804961, 36185283, 36544182, 30675318, 31341520, 33858678, 35171259, 35710434, 35014770, 35186721, 36243179, 36113475, 34887416, 36095024, 38028594, 33047316, 35273153, 37065479, 36495689, 14704354, 21111057, 19327148)

Color Diagnostics, LLC DBA Color Health
Classification: Likely pathogenic for Hereditary cancer-predisposing syndrome. Last evaluated: 2024-04-15. Review status: criteria provided, single submitter. Criteria: ACMG Guidelines, 2015. Collection method: clinical testing. Allele origin: germline.
Comment: This variant changes 1 nucleotide in exon 9 of the RAD51D gene, creating a premature translation stop signal in the penultimate coding exon. The mutant transcript is expected to escape nonsense-mediated decay and be expressed as a truncated protein. Although functional studies have not been reported for this variant, it is expected to disrupt the C-terminus of the ATPase domain (PMID: 14704354, 19327148, 21111057) and RAD51C interaction domain (PMID: 10749867, 14704354, 19327148) and adversely impact RAD51D protein function. This variant has been observed in at least three individuals with ovarian cancer (PMID: 26261251, 33858678, 35186721, 36544182). It has also been reported in over ten individuals with breast cancer (PMID: 25452441, 28724667, 29255180, 30111881, 31300551, 32885271, 33471991, 36185283, 38118367) and in several control subjects unaffected with cancer (PMID: 26261251, 33471991). This variant has been identified in 7/251356 chromosomes in the general population by the Genome Aggregation Database (gnomAD). Based on the available evidence, this variant is classified as Likely Pathogenic.

Baylor Genetics
Classification: Likely pathogenic for Breast-ovarian cancer, familial, susceptibility to, 4. Last evaluated: 2024-01-22. Review status: criteria provided, single submitter. Criteria: ACMG Guidelines, 2015. Collection method: clinical testing. Allele origin: unknown.

Myriad Genetics, Inc.
Classification: Pathogenic for Breast-ovarian cancer, familial, susceptibility to, 4. Last evaluated: 2023-12-19. Review status: criteria provided, single submitter. Criteria: Myriad Autosomal Dominant, Autosomal Recessive and X-Linked Classification Criteria (2023). Collection method: clinical testing. Allele origin: unknown.
Comment: This variant is considered pathogenic. This variant creates a termination codon and is predicted to result in premature protein truncation.

Women's Health and Genetics/Laboratory Corporation of America, LabCorp
Classification: Likely pathogenic for Hereditary breast ovarian cancer syndrome. Last evaluated: 2023-11-16. Review status: criteria provided, single submitter. Criteria: LabCorp Variant Classification Summary - May 2015. Collection method: clinical testing. Allele origin: germline.
Comment: Variant summary: RAD51D c.898C>T (p.Arg300X) located in exon 9 results in a premature termination codon, predicted to cause a truncation of the encoded protein by deleting the last 29 amino acids of the RAD51D protein or absence of the protein due to nonsense mediated decay, which are commonly known mechanisms for disease. The variant allele was found at a frequency of 2.8e-05 in 251356 control chromosomes. c.898C>T has been widely reported in the literature in individuals affected with tubo-ovarian carcinoma (TOC) and breast cancer (example, Yang_2020; Fostira_2020). One of these ascertained studies provided age-specific risk for TOC for women with pathogenic variants in RAD51D and also confirmed that pathogenic variants in RAD51D confer a moderate risk for breast cancer (Yang_2020). These data indicate that the variant is likely to be associated with disease. To our knowledge, no experimental evidence demonstrating an impact on protein function has been reported. The following publications have been ascertained in the context of this evaluation (PMID: 31300551, 32107557). Multiple submitters have cited clinical-significance assessments for this variant to ClinVar after 2014. All submitters classified the variant as pathogenic/likely pathogenic. Based on the evidence outlined above, the variant was classified as likely pathogenic.

Institute for Biomarker Research, Medical Diagnostic Laboratories, L.L.C.
Classification: Likely pathogenic for Hereditary breast ovarian cancer syndrome. Last evaluated: 2023-08-01. Review status: criteria provided, single submitter. Criteria: ACMG Guidelines, 2015. Collection method: clinical testing. Allele origin: germline.

Sema4
Classification: Likely pathogenic for Hereditary cancer-predisposing syndrome. Last evaluated: 2022-01-31. Review status: criteria provided, single submitter. Criteria: Sema4 Curation Guidelines. Collection method: curation. Allele origin: germline.
Comment: The RAD51D c.898C>T (p.R300X) variant has been reported in heterozygosity in numerous individuals with breast or ovarian cancer (PMID: 25452441, 26261251, 28724667, 30111881, 32885271, 32107557, 33471991). This nonsense variant creates a premature stop codon at residue 300 of the RAD51D protein. As this variant is not predicted to cause nonsense-mediated decay, the protein product is expected to be truncated. It was observed in 7/251356 chromosomes across all populations in the large and broad cohorts of the Genome Aggregation Database (PMID: 32461654). The variant has been reported in ClinVar (Variation ID 185048). Based on the current evidence available, this variant is interpreted as likely pathogenic.

CHEO Genetics Diagnostic Laboratory, Children's Hospital of Eastern Ontario
Classification: Likely pathogenic for Breast and/or ovarian cancer. Last evaluated: 2021-08-20. Review status: criteria provided, single submitter. Criteria: ACMG Guidelines, 2015. Collection method: clinical testing. Allele origin: germline.

AiLife Diagnostics
Classification: Likely pathogenic. Last evaluated: 2021-08-18. Review status: criteria provided, single submitter. Criteria: ACMG Guidelines, 2015. Collection method: clinical testing. Allele origin: germline. Affected: yes. Observed: 1 variant allele.

St. Jude Molecular Pathology, St. Jude Children's Research Hospital
Classification: Likely pathogenic for Breast-ovarian cancer, familial, susceptibility to, 4. Last evaluated: 2021-03-31. Review status: criteria provided, single submitter. Criteria: St. Jude Assertion Criteria 2020. Collection method: clinical testing. Allele origin: germline.
Comment: The RAD51D c.898C>T (p.Arg300Ter) change is a nonsense variant that is predicted to cause premature protein truncation. The variant is not expected to result in nonsense mediated decay, but it is predicted to cause loss of normal protein function through removal of the C-terminus of the ATPase domain (PMID: 14704354, 19327148, 21111057) and RAD51C interaction domain (PMID: 10749867, 14704354, 19327148). This variant has a maximum subpopulation frequency of 0.016% in gnomAD v2.1.1. This variant has been reported in individuals with breast cancer (PMID: 30111881, 30165555, 25452441, 28724667), ovarian cancer (PMID: 26261251), and a control individual with a family history of breast cancer (PMID: 26261251). In summary, this variant meets criteria to be classified as likely pathogenic based on the ACMG/AMP criteria: PVS1, PS4.

Institute of Medical Genetics and Applied Genomics, University Hospital Tübingen
Classification: Likely pathogenic. Last evaluated: 2020-10-23. Review status: criteria provided, single submitter. Criteria: ACMG Guidelines, 2015. Collection method: clinical testing. Allele origin: germline. Inheritance: Unknown mechanism. Affected: yes.

Mendelics
Classification: Likely pathogenic for Breast-ovarian cancer, familial, susceptibility to, 4. Last evaluated: 2019-05-28. Review status: criteria provided, single submitter. Criteria: Mendelics Assertion Criteria 2017. Collection method: clinical testing. Allele origin: unknown.

Fulgent Genetics
Classification: Likely pathogenic for Breast-ovarian cancer, familial, susceptibility to, 4. Last evaluated: 2018-10-31. Review status: criteria provided, single submitter. Criteria: ACMG Guidelines, 2015. Collection method: clinical testing. Allele origin: unknown.

Genesis Genomics
Classification: Likely pathogenic for Breast-ovarian cancer, familial, susceptibility to, 4. Review status: criteria provided, single submitter. Criteria: ACMG Guidelines, 2015. Collection method: clinical testing. Allele origin: germline. Affected: yes. Observed: 1 variant allele.

Juno Genomics, Hangzhou Juno Genomics, Inc
Classification: Likely pathogenic for Breast-ovarian cancer, familial, susceptibility to, 4. Review status: criteria provided, single submitter. Criteria: ACMG Guidelines, 2015. Collection method: clinical testing. Allele origin: germline.
Comment: Absent from controls (or at extremely low frequency if recessive) in Genome Aggregation Database.;Null variant in a gene where loss of function (LOF) is a known mechanism of disease.;The prevalence of the variant in affected individuals is significantly increased compared to the prevalence in controls.